The following is an entry in ClinVar:

NM_001370259.2(MEN1):c.1656T>G (p.Thr552=)

Gene: MEN1 (menin 1; minus strand). Cytogenetic location: 11q13.1.
Variant type: single nucleotide variant.
Coding change: c.1656T>G on transcript NM_001370259.2 (MANE Select); coding-DNA position 1656, T replaced by G.
Protein change: p.Thr552=; no amino-acid change (threonine 552 retained).
Molecular consequence: synonymous variant. On other transcripts: non-coding transcript variant (4).
Genome position (GRCh38, 1-based): chr11:64,804,511, A>C on the plus strand (T>G on the coding strand, the complement: MEN1 is on the minus strand). VCF-style: chr11-64804511-A-C. GRCh37 (hg19) VCF-style: chr11-64571983-A-C.
Other names: c.1671T>G, p.Thr557= (NM_000244.4, NM_001407145.1, NM_130800.3 and 4 more transcripts); c.1782T>G, p.Thr594= (NM_001370251.2, NM_001407142.1, NM_001407143.1 and 1 more transcripts); c.1656T>G, p.Thr552= (NM_001370260.2, NM_001370261.2, NM_001407146.1 and 2 more transcripts); c.1551T>G, p.Thr517= (NM_001370262.2, NM_001370263.2, NM_001407148.1 and 1 more transcripts); c.1797T>G, p.Thr599= (NM_001407150.1); c.1677T>G, p.Thr559= (NM_001407151.1); c.1491T>G, p.Thr497= (NM_001407152.1).
Identifiers: ClinVar variation 3773215 (VCV003773215.1).

ClinVar aggregate classification (germline): Benign (1 of 4 stars; one submission).

Conditions:
Multiple endocrine neoplasia, type 1 (MEN1). Also called: MEN I; WERMER SYNDROME; Endocrine adenomatosis multiple; MEN 1; MEA I. Identifiers: Orphanet 652, MedGen C0025267, MeSH D018761, MONDO:0007540, OMIM 131100.

Submission:

Myriad Genetics, Inc.
Classification: Benign for Multiple endocrine neoplasia, type 1. Last evaluated: 2024-11-05. Review status: criteria provided, single submitter. Criteria: Myriad Autosomal Dominant, Autosomal Recessive and X-Linked Classification Criteria (2023). Collection method: clinical testing. Allele origin: unknown.
Comment: This variant is considered benign. This variant is a silent/synonymous amino acid change and it is not expected to impact splicing.